The following is an entry in ClinVar:

ClinVar aggregate classification (germline): Pathogenic/Likely pathogenic. Review status: criteria provided, multiple submitters, no conflicts (2 of 4 stars). 2 submissions from 2 submitters: Pathogenic (1); Likely pathogenic (1). Last evaluated 2024-10-04.

Conditions:
Neurofibromatosis, type 1 (NF1). Also called: Peripheral type neurofibromatosis; VON RECKLINGHAUSEN DISEASE; Neurofibromatosis, type I; NEUROFIBROMATOSIS, TYPE I, SOMATIC. Identifiers: Orphanet 636, MedGen C0027831, MONDO:0018975, OMIM 162200. Disease mechanism: loss of function.
Café-au-lait macules with pulmonary stenosis (WTSN). Also called: PULMONIC STENOSIS WITH CAFE-AU-LAIT SPOTS. Identifiers: MedGen C0553586, MONDO:0008672, OMIM 193520.

Submissions (2):

Dubai Health Genomic Medicine Center, Dubai Health
Classification: Likely pathogenic for Watson syndrome. Last evaluated: 2024-10-04. Review status: criteria provided, single submitter. Criteria: ACMG Guidelines, 2015. Collection method: research. Allele origin: germline. Affected: yes.
Comment: PVS1,PM2

Labcorp Genetics (formerly Invitae), Labcorp
Classification: Pathogenic for Neurofibromatosis, type 1. Last evaluated: 2021-08-27. Review status: criteria provided, single submitter. Criteria: Invitae Variant Classification Sherloc (09022015). Collection method: clinical testing. Allele origin: germline.
Comment: This sequence change creates a premature translational stop signal (p.Tyr1762Ilefs*11) in the NF1 gene. It is expected to result in an absent or disrupted protein product. For these reasons, this variant has been classified as Pathogenic. Loss-of-function variants in NF1 are known to be pathogenic (PMID: 10712197, 23913538). This variant has not been reported in the literature in individuals with NF1-related disease. This variant is not present in population databases (ExAC no frequency).

Literature cited by the submitters: PubMed 10712197 (cited by Labcorp Genetics (formerly Invitae), Labcorp); PubMed 23913538 (cited by Labcorp Genetics (formerly Invitae), Labcorp).

NM_001042492.3(NF1):c.5347del (p.Tyr1783fs)

Gene: NF1 (neurofibromin 1; plus strand). Cytogenetic location: 17q11.2.
Variant type: Deletion.
Coding change: c.5347del on transcript NM_001042492.3 (MANE Select); coding-DNA position 5347, one base deleted (T; older notation c.5347delT).
Protein change: p.Tyr1783fs; shifts the reading frame from tyrosine 1783.
Molecular consequence: frameshift variant.
Genome position (GRCh38, 1-based): chr17:31,327,577, T deleted; the last of 3 consecutive T bases (chr17:31,327,575-31,327,577); deleting any one gives the same sequence. VCF-style (leftmost placement, unchanged base first): chr17-31327574-AT-A. GRCh37 (hg19) VCF-style: chr17-29654592-AT-A.
Other names: c.5284delT (NM_000267.3); c.5284delT, p.Tyr1762Ilefs (NM_000267.4); short protein forms Y1783fs, Y1762fs.
Identifiers: ClinVar variation 570774 (VCV000570774.6), dbSNP rs1567612415, ClinGen allele CA891844394.